The following is an entry in ClinVar:

NM_001385012.1(NBEA):c.6496G>T (p.Val2166Leu)

Gene: NBEA (neurobeachin; plus strand). Cytogenetic location: 13q13.3.
Variant type: single nucleotide variant.
Coding change: c.6496G>T on transcript NM_001385012.1 (MANE Select); coding-DNA position 6496, G replaced by T.
Protein change: p.Val2166Leu; replaces valine 2166 with leucine.
Molecular consequence: missense variant.
Genome position (GRCh38, 1-based): chr13:35,472,447, G>T. VCF-style: chr13-35472447-G-T. GRCh37 (hg19) VCF-style: chr13-36046584-G-T.
Other names: c.6487G>T, p.Val2163Leu (NM_001379245.1); c.6496G>T, p.Val2166Leu (NM_015678.5); short protein forms V2163L, V2166L.
Identifiers: ClinVar variation 4846868 (VCV004846868.1).
Genomic context (GRCh38, chr13:35,472,447, plus strand): 5'-CCTTGCCTTGCAGGCCCAGTGGTTCTCAGCACCCCTGCCCAGCTCATCGCTCCCGTGGTG[G>T]TGGCCAAGGGGACTCTCTCCATCACCACGACAGAAATCTACTTCGAGGTAGATGAGGATG-3'
Protein context (NP_001371941.1, residues 2156-2176): TPAQLIAPVV[Val2166Leu]AKGTLSITTT

ClinVar aggregate classification (germline): Uncertain significance (1 of 4 stars; one submission).

Conditions:
Neurodevelopmental disorder with or without early-onset generalized epilepsy. Identifiers: MedGen C5436914, MONDO:0030930, OMIM 619157.

Submission:

Laboratorio de Genetica e Diagnostico Molecular, Hospital Israelita Albert Einstein
Classification: Uncertain significance for Neurodevelopmental disorder with or without early-onset generalized epilepsy. Last evaluated: 2024-12-24. Review status: criteria provided, single submitter. Criteria: ACMG Guidelines, 2015. Collection method: clinical testing. Allele origin: germline. Affected: yes.
Comment: ACMG classification criteria: PM2 supporting, PP2 supporting, BP4 supporting